The following is an entry in ClinVar:

ClinVar aggregate classification (germline): Conflicting classifications of pathogenicity. Review status: criteria provided, conflicting classifications (1 of 4 stars). 3 submissions from 3 submitters: Likely pathogenic (2); Uncertain significance (1). Last evaluated 2026-10-01.

Conditions:
MAGEL2-related disorder. Also called: MAGEL2-related condition.

Submissions (3):

GeneDx
Classification: Likely pathogenic. Last evaluated: 2026-10-01. Review status: criteria provided, single submitter. Criteria: GeneDx Variant Classification Process June 2021. Collection method: clinical testing. Allele origin: germline.
Comment: Has not been previously published as pathogenic or benign to our knowledge; Frameshift variant predicted to result in abnormal protein length as the last 1187 amino acid(s) are replaced with 17 different amino acid(s), and other similar variants have been reported in HGMD; Identified in a patient with a neurodevelopmental disorder referred for genetic testing at an outside laboratory (External communication); Not observed at significant frequency in large population cohorts (gnomAD)

CeGaT Center for Human Genetics Tuebingen
Classification: Likely pathogenic. Last evaluated: 2025-02-01. Review status: criteria provided, single submitter. Criteria: CeGaT Center For Human Genetics Tuebingen Variant Classification Criteria Version 2. Collection method: clinical testing. Allele origin: germline. Affected: yes. Observed: 1 variant allele.
Comment: MAGEL2: PVS1:Strong, PM2

PreventionGenetics, part of Exact Sciences
Classification: Uncertain significance for MAGEL2-related condition. Last evaluated: 2024-11-26. Review status: criteria provided, single submitter. Criteria: ACMG Guidelines, 2015. Collection method: clinical testing. Allele origin: germline.
Comment: The MAGEL2 c.187_192delinsGGCCCCTG variant is predicted to result in a frameshift and premature protein termination (p.Pro63Glyfs*18). To our knowledge, this variant has not been reported in the literature or in a large population database, indicating this variant is rare. It is interpreted as likely pathogenic in ClinVar. A similar variant resulting in a similar frameshift variant (p.Pro63Glyfs*40) has been reported in gnomAD v4 in 45 heterozygous individuals, suggesting it is less likely to be a primary cause of disease. Although frameshift variants in MAGEL2 are expected to be pathogenic, to date, all reported pathogenic frameshift variants occur downstream of the c.187_192delinsGGCCCCTG variant. Although we suspect that this variant may be pathogenic, at this time, the clinical significance of this variant is uncertain due to the absence of conclusive functional and genetic evidence.

NM_019066.5(MAGEL2):c.187_192delinsGGCCCCTG (p.Pro63fs)

Gene: MAGEL2 (MAGE family member L2; minus strand). Cytogenetic location: 15q11.2.
Variant type: Indel.
Coding change: c.187_192delinsGGCCCCTG on transcript NM_019066.5 (MANE Select); coding-DNA positions 187 to 192, CCTGCC replaced by GGCCCCTG.
Protein change: p.Pro63fs; shifts the reading frame from proline 63.
Molecular consequence: frameshift variant.
Genome position (GRCh38, 1-based): chr15:23,647,551-23,647,556, GGCAGG replaced by CAGGGGCC on the plus strand (CCTGCC replaced by GGCCCCTG on the coding strand, the reverse complement: MAGEL2 is on the minus strand). VCF-style: chr15-23647551-GGCAGG-CAGGGGCC. GRCh37 (hg19) VCF-style: chr15-23892698-GGCAGG-CAGGGGCC.
Other names: c.187_192delCCTGCCinsGGCCCCTG (NM_019066.4); short protein forms P63fs.
Identifiers: ClinVar variation 818044 (VCV000818044.20), dbSNP rs1595334202, ClinGen allele CA915946492.